The following is an entry in ClinVar:

NM_002439.5(MSH3):c.2480A>G (p.His827Arg)

Gene: MSH3 (mutS homolog 3; plus strand). Cytogenetic location: 5q14.1.
Variant type: single nucleotide variant.
Coding change: c.2480A>G on transcript NM_002439.5 (MANE Select); coding-DNA position 2480, A replaced by G.
Protein change: p.His827Arg; replaces histidine 827 with arginine.
Molecular consequence: missense variant.
Genome position (GRCh38, 1-based): chr5:80,787,609, A>G. VCF-style: chr5-80787609-A-G. GRCh37 (hg19) VCF-style: chr5-80083428-A-G.
Other names: short protein forms H827R.
Identifiers: ClinVar variation 724344 (VCV000724344.33), dbSNP rs138339194, ClinGen allele CA3328269.

ClinVar aggregate classification (germline): Conflicting classifications of pathogenicity. Review status: criteria provided, conflicting classifications (1 of 4 stars). 9 submissions from 9 submitters: Uncertain significance (3); Benign (2); Likely benign (3). 1 of the submissions does not count toward it. Last evaluated 2026-02-20.

Conditions:
Hereditary cancer-predisposing syndrome. Also called: Neoplastic Syndromes, Hereditary; Hereditary neoplastic syndrome; Tumor predisposition; Hereditary Cancer Syndrome. Identifiers: Orphanet 140162, MedGen C0027672, MeSH D009386, MONDO:0015356.
MSH3-related disorder. Also called: MSH3-related condition.
Familial adenomatous polyposis 4 (FAP4). Also called: MSH3-related attenuated familial adenomatous polyposis. Identifiers: Orphanet 480536, MedGen C4310719, MONDO:0044300, OMIM 617100.

Allele frequency attached by ClinVar (database versions not stated): gnomAD exomes 0.00015 and 0.00044; ExAC 0.00059; 1000 Genomes Project 30x 0.00094; 1000 Genomes Project 0.00120; gnomAD 0.00173 and 0.00191; ESP Exome Variant Server 0.00185; TOPMed 0.00189.
gnomAD v4.1: 483 of 1,613,912 alleles (0.03%); highest among the groups gnomAD compares: African/African-American, 0.59%; 3 homozygotes.

Submissions (9):

St. Jude Molecular Pathology, St. Jude Children's Research Hospital
Classification: Uncertain significance for Familial adenomatous polyposis 4. Last evaluated: 2026-02-20. Review status: criteria provided, single submitter. Criteria: St. Jude Assertion Criteria 2020. Collection method: clinical testing. Allele origin: germline.
Comment: The MSH3 c.2480A>G p.(H is827Arg) missense change has a maximum subpopulation frequency of 0.61% in gnomAD v2.1.1. The in silico tool REVEL predicts a deleterious effect on protein function, but to our knowledge this prediction has not been confirmed by functional studies. This variant has been identified as heterozygous in 5 of 1231 individuals with colorectal cancer who underwent testing of 36 genes associated with increased risk of colorectal cancer (PMID: 28944238). To our knowledge, th is variant has not been reported in individuals with MSH3-associated polyposis syndrome. In summary, the evidence currently available is insufficient to determine the clinical significance of this variant. It has therefore been classified as of uncertain significance.

Labcorp Genetics (formerly Invitae), Labcorp
Classification: Benign. Last evaluated: 2026-02-04. Review status: criteria provided, single submitter. Criteria: Invitae Variant Classification Sherloc (09022015). Collection method: clinical testing. Allele origin: germline.

GeneDx
Classification: Uncertain significance. Last evaluated: 2025-05-23. Review status: criteria provided, single submitter. Criteria: GeneDx Variant Classification Process June 2021. Collection method: clinical testing. Allele origin: germline. Affected: yes.
Comment: In silico analysis supports that this missense variant has a deleterious effect on protein structure/function; Identified in individuals with colorectal cancer in the published literature (PMID: 28944238); This variant is associated with the following publications: (PMID: 28944238)

Quest Diagnostics Nichols Institute San Juan Capistrano
Classification: Benign. Last evaluated: 2025-05-23. Review status: criteria provided, single submitter. Criteria: Quest Diagnostics criteria. Collection method: clinical testing. Allele origin: unknown.

Center for Genomic Medicine, Rigshospitalet, Copenhagen University Hospital
Classification: Uncertain significance. Last evaluated: 2025-03-04. Review status: criteria provided, single submitter. Criteria: ACMG Guidelines, 2015. Collection method: clinical testing. Allele origin: germline.

Blueprint Genetics
Classification: Likely benign. Last evaluated: 2024-10-22. Review status: criteria provided, single submitter. Criteria: ACMG Guidelines, 2015. Collection method: clinical testing. Allele origin: germline.

Ambry Genetics
Classification: Likely benign for Hereditary cancer-predisposing syndrome. Last evaluated: 2021-05-05. Review status: criteria provided, single submitter. Criteria: Ambry Variant Classification Scheme 2023. Collection method: clinical testing. Allele origin: germline.

Sema4
Classification: Likely benign for Hereditary cancer-predisposing syndrome. Last evaluated: 2021-04-15. Review status: criteria provided, single submitter. Criteria: Sema4 Curation Guidelines. Collection method: curation. Allele origin: germline.

PreventionGenetics, part of Exact Sciences
Classification: Likely benign for MSH3-related condition. Last evaluated: 2019-12-13. Review status: no assertion criteria provided. Collection method: clinical testing. Allele origin: germline. Not counted in ClinVar's aggregate classification.
Comment: This variant is classified as likely benign based on ACMG/AMP sequence variant interpretation guidelines (Richards et al. 2015 PMID: 25741868, with internal and published modifications).

Literature cited by the submitters: PubMed 37231433 (cited by Quest Diagnostics Nichols Institute San Juan Capistrano); PubMed 39256447 (cited by Quest Diagnostics Nichols Institute San Juan Capistrano); PubMed 28944238 (cited by Quest Diagnostics Nichols Institute San Juan Capistrano and Sema4).